The following is an entry in ClinVar:

ClinVar aggregate classification (germline): Pathogenic (1 of 4 stars; one submission).

Conditions:
Familial thoracic aortic aneurysm and aortic dissection (TAAD). Also called: Thoracic aortic aneurysms and dissections. Identifiers: Orphanet 91387, MedGen C4707243, MONDO:0019625.
Marfan syndrome (MFS). Also called: MARFAN SYNDROME, TYPE I; Marfan syndrome type 1; Marfan's syndrome; Marfan syndrome, classic; FBN1-Related Marfan Syndrome. Identifiers: Orphanet 284963, Orphanet 558, MedGen C0024796, MONDO:0007947, OMIM 154700.

Submission:

Labcorp Genetics (formerly Invitae), Labcorp
Classification: Pathogenic for Marfan syndrome; Familial thoracic aortic aneurysm and aortic dissection. Last evaluated: 2022-03-27. Review status: criteria provided, single submitter. Criteria: Invitae Variant Classification Sherloc (09022015). Collection method: clinical testing. Allele origin: germline.
Comment: This variant affects a cysteine residue in the EGF-like, TGFBP or hybrid motif domains of FBN1. Cysteine residues are believed to be involved in intramolecular disulfide bridges and have been shown to be important for FBN1 protein structure (PMID: 16905551, 19349279). In addition, missense substitutions affecting cysteine residues within these domains are significantly overrepresented among patients with Marfan syndrome (PMID: 16571647, 17701892). For these reasons, this variant has been classified as Pathogenic. This variant disrupts the p.Cys1249 amino acid residue in FBN1. Other variant(s) that disrupt this residue have been observed in individuals with FBN1-related conditions (PMID: 17657824), which suggests that this may be a clinically significant amino acid residue. Advanced modeling of protein sequence and biophysical properties (such as structural, functional, and spatial information, amino acid conservation, physicochemical variation, residue mobility, and thermodynamic stability) performed at Invitae indicates that this missense variant is expected to disrupt FBN1 protein function. This missense change has been observed in individual(s) with FBN1-related conditions (Invitae). This variant is not present in population databases (gnomAD no frequency). This sequence change replaces cysteine, which is neutral and slightly polar, with tyrosine, which is neutral and polar, at codon 1249 of the FBN1 protein (p.Cys1249Tyr).

Literature cited by the submitters: PubMed 16905551; PubMed 19349279; PubMed 16571647; PubMed 17701892; PubMed 17657824.

NM_000138.5(FBN1):c.3746G>A (p.Cys1249Tyr)

Gene: FBN1 (fibrillin 1; minus strand). Cytogenetic location: 15q21.1.
Variant type: single nucleotide variant.
Coding change: c.3746G>A on transcript NM_000138.5 (MANE Select); coding-DNA position 3746, G replaced by A.
Protein change: p.Cys1249Tyr; replaces cysteine 1249 with tyrosine.
Molecular consequence: missense variant.
Genome position (GRCh38, 1-based): chr15:48,483,910, C>T on the plus strand (G>A on the coding strand, the complement: FBN1 is on the minus strand). VCF-style: chr15-48483910-C-T. GRCh37 (hg19) VCF-style: chr15-48776107-C-T.
Other names: c.3746G>A, p.Cys1249Tyr (NM_001406716.1); short protein forms C1249Y.
Identifiers: ClinVar variation 2118439 (VCV002118439.4), dbSNP rs137854458, ClinGen allele CA392324053.